The following is an entry in ClinVar:

NM_000059.4(BRCA2):c.917_920del (p.Asp306fs)

Gene: BRCA2 (BRCA2 DNA repair associated; plus strand). Cytogenetic location: 13q13.1.
Variant type: Deletion.
Coding change: c.917_920del on transcript NM_000059.4 (MANE Select); coding-DNA positions 917 to 920, 4 bases deleted (ATAG; older notation c.917_920delATAG).
Protein change: p.Asp306fs; shifts the reading frame from aspartic acid 306.
Molecular consequence: frameshift variant.
Genome position (GRCh38, 1-based): chr13:32,332,395-32,332,398, ATAG deleted; deleting any 4 consecutive bases within chr13:32,332,393-32,332,398 gives the same sequence; the c. name uses the placement nearest the transcript's 3' end. VCF-style (leftmost placement, unchanged base first): chr13-32332392-AAGAT-A. GRCh37 (hg19) VCF-style: chr13-32906529-AAGAT-A.
Other names: c.917_920delATAG (NM_000059.3); short protein forms D306fs.
Identifiers: ClinVar variation 441491 (VCV000441491.13), dbSNP rs1555281630, ClinGen allele CA658653671.

ClinVar aggregate classification (germline): Pathogenic. Review status: reviewed by expert panel (3 of 4 stars). 3 submissions from 3 submitters: Pathogenic (1). 2 of the submissions do not count toward it. Last evaluated 2017-12-15.

Conditions:
Breast-ovarian cancer, familial, susceptibility to, 2 (BROVCA2). Also called: BRCA2 Hereditary Breast and Ovarian Cancer. Identifiers: Orphanet 145, MedGen C2675520, MONDO:0012933, OMIM 612555. Disease mechanism: loss of function.
Hereditary cancer-predisposing syndrome. Also called: Hereditary Cancer Syndrome; Hereditary neoplastic syndrome; Tumor predisposition; Neoplastic Syndromes, Hereditary. Identifiers: Orphanet 140162, MedGen C0027672, MeSH D009386, MONDO:0015356.
Hereditary breast ovarian cancer syndrome. Also called: Hereditary breast and ovarian cancer syndrome; BRCA1- and BRCA2-Associated Hereditary Breast and Ovarian Cancer; Hereditary breast and ovarian cancer syndrome (HBOC); Hereditary breast and/or ovarian cancer syndrome; Hereditary breast and ovarian cancer; Breast and ovarian cancer. Identifiers: Orphanet 145, MedGen C0677776, MeSH D061325, MONDO:0003582. Disease mechanism: loss of function.

Submissions (3):

Evidence-based Network for the Interpretation of Germline Mutant Alleles (ENIGMA)
Classification: Pathogenic for Breast-ovarian cancer, familial, susceptibility to, 2. Last evaluated: 2017-12-15. Review status: reviewed by expert panel. Criteria: ENIGMA BRCA1/2 Classification Criteria (2017-06-29). Collection method: curation. Allele origin: germline. Study: ENIGMA.
Comment: Variant allele predicted to encode a truncated non-functional protein.

Labcorp Genetics (formerly Invitae), Labcorp
Classification: Pathogenic for Hereditary breast ovarian cancer syndrome. Last evaluated: 2022-02-08. Review status: criteria provided, single submitter. Criteria: Invitae Variant Classification Sherloc (09022015). Collection method: clinical testing. Allele origin: germline. Not counted in ClinVar's aggregate classification.
Comment: This sequence change creates a premature translational stop signal (p.Asp306Valfs*17) in the BRCA2 gene. It is expected to result in an absent or disrupted protein product. Loss-of-function variants in BRCA2 are known to be pathogenic (PMID: 20104584). This variant is not present in population databases (gnomAD no frequency). This variant has not been reported in the literature in individuals affected with BRCA2-related conditions. ClinVar contains an entry for this variant (Variation ID: 441491). For these reasons, this variant has been classified as Pathogenic.

Ambry Genetics
Classification: Pathogenic for Hereditary cancer-predisposing syndrome. Last evaluated: 2017-02-24. Review status: criteria provided, single submitter. Criteria: Ambry Variant Classification Scheme 2023. Collection method: clinical testing. Allele origin: germline. Not counted in ClinVar's aggregate classification.
Comment: The c.917_920delATAG pathogenic mutation, located in coding exon 9 of the BRCA2 gene, results from a deletion of 4 nucleotides at nucleotide positions 917 to 920, causing a translational frameshift with a predicted alternate stop codon (p.D306Vfs*17). This alteration is expected to result in loss of function by premature protein truncation or nonsense-mediated mRNA decay. As such, this alteration is interpreted as a disease-causing mutation.

Literature cited by the submitters: PubMed 20104584 (cited by Labcorp Genetics (formerly Invitae), Labcorp).